The following is an entry in ClinVar:

ClinVar aggregate classification (germline): Pathogenic/Likely pathogenic. Review status: criteria provided, multiple submitters, no conflicts (2 of 4 stars). 5 submissions from 5 submitters: Pathogenic (1); Likely pathogenic (3). 1 of the submissions does not count toward it. Last evaluated 2025-12-22.

Conditions:
ABCC6-related disorder. Also called: ABCC6-related condition.
Arterial calcification, generalized, of infancy, 2. Identifiers: Orphanet 51608, MedGen C3276161, MONDO:0013768, OMIM 614473.
Autosomal recessive inherited pseudoxanthoma elasticum (PXE). Identifiers: Orphanet 758, MedGen CN032334, MONDO:0009925, OMIM 264800.
Pseudoxanthoma elasticum, forme fruste. Also called: Pseudoxanthoma Elasticum, Incomplete; PSEUDOXANTHOMA ELASTICUM, HETEROZYGOUS. Identifiers: Orphanet 758, MedGen C1867450, MONDO:0008333, OMIM 177850.

Allele frequency attached by ClinVar (database versions not stated): gnomAD 0.00001; ExAC 0.00003; TOPMed 0.00003.
gnomAD v4.1: 43 of 1,613,176 alleles (0.0027%); highest among the groups gnomAD compares: East Asian, 0.0045%; no homozygotes.

Submissions (5):

Labcorp Genetics (formerly Invitae), Labcorp
Classification: Pathogenic. Last evaluated: 2025-12-22. Review status: criteria provided, single submitter. Criteria: Invitae Variant Classification Sherloc (09022015). Collection method: clinical testing. Allele origin: germline.
Comment: This sequence change replaces arginine, which is basic and polar, with glutamine, which is neutral and polar, at codon 760 of the ABCC6 protein (p.Arg760Gln). This variant is present in population databases (rs769405586, gnomAD 0.007%). This missense change has been observed in individuals with pseudoxanthoma elasticum (PMID: 18157818). ClinVar contains an entry for this variant (Variation ID: 433431). Invitae Evidence Modeling of protein sequence and biophysical properties (such as structural, functional, and spatial information, amino acid conservation, physicochemical variation, residue mobility, and thermodynamic stability) indicates that this missense variant is expected to disrupt ABCC6 protein function with a positive predictive value of 95%. This variant disrupts the p.Arg760 amino acid residue in ABCC6. Other variant(s) that disrupt this residue have been determined to be pathogenic (PMID: 15723264, 16086317, 30154241). This suggests that this residue is clinically significant, and that variants that disrupt this residue are likely to be disease-causing. For these reasons, this variant has been classified as Pathogenic.

PreventionGenetics, part of Exact Sciences
Classification: Likely pathogenic for ABCC6-related condition. Last evaluated: 2025-09-15. Review status: criteria provided, single submitter. Criteria: ACMG Guidelines, 2015. Collection method: clinical testing. Allele origin: germline.
Comment: The ABCC6 c.2279G>A variant is predicted to result in the amino acid substitution p.Arg760Gln. This variant has been reported in individuals with pseudoxanthoma elasticum (Vanakker et al. 2008. PubMed ID: 18157818; Table S2, Verschuere et al. 2020. PubMed ID: 32873932). An alternate nucleotide change affecting the same amino acid (p.Arg760Trp) has been reported in the compound heterozygous state in individuals with PXE (see for example: Li et al. 2013. PubMed ID: 24008425, Table S1, Saeidian et al. 2022. PubMed ID: 34906475; Table S1, Lin et al. 2024. PubMed ID: 38219857). This variant is reported in 0.0065% of alleles in individuals of South Asian descent in gnomAD. This variant is reported in 0.0065% of alleles in individuals of South Asian descent in gnomAD. This variant is interpreted as likely pathogenic.

First Genomix Gene Laboratory, Genetic Diagnostics Department
Classification: Likely pathogenic for Arterial calcification, generalized, of infancy, 2; Autosomal recessive inherited pseudoxanthoma elasticum. Last evaluated: 2025-05-30. Review status: criteria provided, single submitter. Criteria: ACMG Guidelines, 2015. Collection method: clinical testing. Allele origin: germline. Inheritance: Autosomal recessive inheritance. Affected: no. Observed: 1 variant allele.

Fulgent Genetics
Classification: Likely pathogenic for Pseudoxanthoma elasticum, forme fruste; Autosomal recessive inherited pseudoxanthoma elasticum; Arterial calcification, generalized, of infancy, 2. Last evaluated: 2024-06-12. Review status: criteria provided, single submitter. Criteria: ACMG Guidelines, 2015. Collection method: clinical testing. Allele origin: germline.

PXE International
Classification: Pathogenic for Autosomal recessive inherited pseudoxanthoma elasticum. Last evaluated: 2021-03-01. Review status: no assertion criteria provided. Collection method: research. Allele origin: germline. Inheritance: Autosomal recessive inheritance. Affected: yes. Observed: 2 variant alleles. Not counted in ClinVar's aggregate classification.

Literature cited by the submitters: PubMed 18157818 (cited by Labcorp Genetics (formerly Invitae), Labcorp); PubMed 15723264 (cited by Labcorp Genetics (formerly Invitae), Labcorp); PubMed 16086317 (cited by Labcorp Genetics (formerly Invitae), Labcorp); PubMed 30154241 (cited by Labcorp Genetics (formerly Invitae), Labcorp); PubMed 32873932 (cited by PXE International).

NM_001171.6(ABCC6):c.2279G>A (p.Arg760Gln)

Gene: ABCC6 (ATP binding cassette subfamily C member 6; minus strand). Cytogenetic location: 16p13.11.
Variant type: single nucleotide variant.
Coding change: c.2279G>A on transcript NM_001171.6 (MANE Select); coding-DNA position 2279, G replaced by A.
Protein change: p.Arg760Gln; replaces arginine 760 with glutamine.
Molecular consequence: missense variant. On other transcripts: non-coding transcript variant (1).
Genome position (GRCh38, 1-based): chr16:16,178,934, C>T on the plus strand (G>A on the coding strand, the complement: ABCC6 is on the minus strand). VCF-style: chr16-16178934-C-T. GRCh37 (hg19) VCF-style: chr16-16272791-C-T.
Other names: c.1937G>A, p.Arg646Gln (NM_001351800.1); short protein forms R760Q, R646Q.
Identifiers: ClinVar variation 433431 (VCV000433431.11), dbSNP rs769405586, ClinGen allele CA7925964.